The following is an entry in ClinVar:

ClinVar aggregate classification (germline): Benign. Review status: reviewed by expert panel (3 of 4 stars). 9 submissions from 9 submitters: Benign (1). 8 of the submissions do not count toward it. Last evaluated 2025-08-14.

Conditions:
Neuromuscular disease caused by qualitative or quantitative defects of dysferlin. Also called: Qualitative or quantitative defects of dysferlin; Dysferlinopathy. Identifiers: Orphanet 207073, MedGen C2931687, MONDO:0016145.
Autosomal recessive limb-girdle muscular dystrophy. Identifiers: Orphanet 102015, MedGen C2931907, MONDO:0015152.
Autosomal recessive limb-girdle muscular dystrophy type 2B (LGMDR2). Also called: MUSCULAR DYSTROPHY, LIMB-GIRDLE, TYPE 3; Limb-girdle muscular dystrophy, type 2B; Limb-Girdle Muscular Dystrophy Type 2B (LGMD2B); MUSCULAR DYSTROPHY, LIMB-GIRDLE, AUTOSOMAL RECESSIVE 2. Identifiers: Orphanet 268, MedGen C1850889, MONDO:0009676, OMIM 253601.

Allele frequency attached by ClinVar (database versions not stated): gnomAD exomes 0.00169; ExAC 0.00244; 1000 Genomes Project 0.00639; 1000 Genomes Project 30x 0.00687; gnomAD 0.00698 and 0.00745; TOPMed 0.00810; ESP Exome Variant Server 0.00823.
gnomAD v4.1: 1,917 of 1,611,924 alleles (0.12%); highest among the groups gnomAD compares: African/African-American, 2.3%; 25 homozygotes.

Submissions (9):

ClinGen Limb Girdle Muscular Dystrophy Variant Curation Expert Panel, ClinGen
Classification: Benign for Autosomal recessive limb-girdle muscular dystrophy. Last evaluated: 2025-08-14. Review status: reviewed by expert panel. Criteria: ClinGen LGMD VCEP ACMG Specifications DYSF V2.0.0. Collection method: curation. Allele origin: germline. Inheritance: Autosomal recessive inheritance.
Comment: The NM_003494.4: c.1284+6G>C variant in DYSF, which is also known as NM_001130987.2: c.1380+6G>C, occurs within the splice donor motif (positions +6 to -3) of intron 13. The Grpmax filtering allele frequency for this variant is 0.02256 in gnomAD v4.1.0 (the lower bound of the 95% CI of 1761/75030 African/African American chromosomes), which is higher than the VCEP threshold of 0.003 (BA1). This variant is also not predicted to significantly affect splicing (non-masked SpliceAI delta score <0.05; BP4). In summary, this variant meets the criteria to be classified as Benign for autosomal recessive limb girdle muscular dystrophy based on the ACMG/AMP criteria applied, as specified by the ClinGen LGMD VCEP (LGMD VCEP specifications version 2.0.0; 08/14/2025): BA1, BP4.

Labcorp Genetics (formerly Invitae), Labcorp
Classification: Benign for Neuromuscular disease caused by qualitative or quantitative defects of dysferlin. Last evaluated: 2026-01-28. Review status: criteria provided, single submitter. Criteria: Invitae Variant Classification Sherloc (09022015). Collection method: clinical testing. Allele origin: germline. Not counted in ClinVar's aggregate classification.

Athena Diagnostics
Classification: Benign. Last evaluated: 2025-07-02. Review status: criteria provided, single submitter. Criteria: Athena Diagnostics Criteria. Collection method: clinical testing. Allele origin: unknown. Not counted in ClinVar's aggregate classification.
Comment: The frequency of this variant in the general population is higher than would generally be expected for pathogenic variants in this gene.

Mayo Clinic Laboratories, Mayo Clinic
Classification: Benign. Last evaluated: 2019-11-27. Review status: criteria provided, single submitter. Criteria: ACMG Guidelines, 2015. Collection method: clinical testing. Allele origin: germline. Observed: 6 variant alleles. Not counted in ClinVar's aggregate classification.

Illumina Laboratory Services, Illumina
Classification: Uncertain significance for Qualitative or quantitative defects of dysferlin. Last evaluated: 2018-01-13. Review status: criteria provided, single submitter. Criteria: ICSL Variant Classification Criteria 13 December 2019. Collection method: clinical testing. Allele origin: germline. Not counted in ClinVar's aggregate classification.

GeneDx
Classification: Benign. Last evaluated: 2016-11-01. Review status: criteria provided, single submitter. Criteria: GeneDx Variant Classification (06012015). Collection method: clinical testing. Allele origin: germline. Affected: yes. Not counted in ClinVar's aggregate classification.
Comment: This variant is considered likely benign or benign based on one or more of the following criteria: it is a conservative change, it occurs at a poorly conserved position in the protein, it is predicted to be benign by multiple in silico algorithms, and/or has population frequency not consistent with disease.

PreventionGenetics, part of Exact Sciences
Classification: Likely benign. Review status: criteria provided, single submitter. Criteria: ACMG Guidelines, 2015. Collection method: clinical testing. Allele origin: germline. Not counted in ClinVar's aggregate classification.

Natera, Inc.
Classification: Benign for Limb-girdle muscular dystrophy type 2B. Last evaluated: 2020-09-16. Review status: no assertion criteria provided. Collection method: clinical testing. Allele origin: germline. Not counted in ClinVar's aggregate classification.

Genetic Services Laboratory, University of Chicago
Classification: Likely benign for AllHighlyPenetrant. Review status: no assertion criteria provided. Collection method: clinical testing. Allele origin: germline. Inheritance: Autosomal recessive inheritance. Not counted in ClinVar's aggregate classification.
Comment: Likely benign based on allele frequency in 1000 Genomes Project or ESP global frequency and its presence in a patient with a rare or unrelated disease phenotype. NOT Sanger confirmed.

NM_001130987.2(DYSF):c.1380+6G>C

Gene: DYSF (dysferlin; plus strand). Cytogenetic location: 2p13.2.
Variant type: single nucleotide variant.
Coding change: c.1380+6G>C on transcript NM_001130987.2 (MANE Select); 6 bases into the intron after coding-DNA position 1380, G replaced by C.
Molecular consequence: intron variant.
Genome position (GRCh38, 1-based): chr2:71,528,407, G>C. VCF-style: chr2-71528407-G-C. GRCh37 (hg19) VCF-style: chr2-71755537-G-C.
Other names: p.?; c.1377+6G>C (NM_001130979.2, NM_001130981.2, NM_001130980.2); c.1284+6G>C (NM_001130978.2, NM_003494.4, NM_001130977.2 and 1 more transcripts); c.1380+6G>C (NM_001130982.2, NM_001130985.2); c.1287+6G>C (NM_001130983.2, NM_001130455.2, NM_001130984.2 and 1 more transcripts).
Identifiers: ClinVar variation 128945 (VCV000128945.31), dbSNP rs75796187, ClinGen allele CA152660.